The following is an entry in ClinVar:

ClinVar aggregate classification (germline): Uncertain significance (1 of 4 stars; one submission).

Submission:

Labcorp Genetics (formerly Invitae), Labcorp
Classification: Uncertain significance. Last evaluated: 2021-05-25. Review status: criteria provided, single submitter. Criteria: Invitae Variant Classification Sherloc (09022015). Collection method: clinical testing. Allele origin: germline.
Comment: In summary, the available evidence is currently insufficient to determine the role of this variant in disease. Therefore, it has been classified as a Variant of Uncertain Significance. Algorithms developed to predict the effect of missense changes on protein structure and function (SIFT, PolyPhen-2, Align-GVGD) all suggest that this variant is likely to be tolerated, but these predictions have not been confirmed by published functional studies and their clinical significance is uncertain. This variant has not been reported in the literature in individuals with C5-related conditions. This variant is not present in population databases (ExAC no frequency). This sequence change replaces aspartic acid with valine at codon 122 of the C5 protein (p.Asp122Val). The aspartic acid residue is weakly conserved and there is a large physicochemical difference between aspartic acid and valine.

NM_001735.3(C5):c.365A>T (p.Asp122Val)

Gene: C5 (complement C5; minus strand). Cytogenetic location: 9q33.2.
Variant type: single nucleotide variant.
Coding change: c.365A>T on transcript NM_001735.3 (MANE Select); coding-DNA position 365, A replaced by T.
Protein change: p.Asp122Val; replaces aspartic acid 122 with valine.
Molecular consequence: missense variant.
Genome position (GRCh38, 1-based): chr9:121,043,060, T>A on the plus strand (A>T on the coding strand, the complement: C5 is on the minus strand). VCF-style: chr9-121043060-T-A. GRCh37 (hg19) VCF-style: chr9-123805338-T-A.
Other names: c.383A>T, p.Asp128Val (NM_001317163.2); c.365A>T, p.Asp122Val (NM_001317164.2); short protein forms D122V, D128V.
Identifiers: ClinVar variation 1493553 (VCV001493553.8), dbSNP rs2131818378, ClinGen allele CA374729705.